The following is an entry in ClinVar:

NM_177438.3(DICER1):c.107C>T (p.Ala36Val)

Gene: DICER1 (dicer 1, ribonuclease III; minus strand). Cytogenetic location: 14q32.13.
Variant type: single nucleotide variant.
Coding change: c.107C>T on transcript NM_177438.3 (MANE Select); coding-DNA position 107, C replaced by T.
Protein change: p.Ala36Val; replaces alanine 36 with valine.
Molecular consequence: missense variant.
Genome position (GRCh38, 1-based): chr14:95,133,352, G>A on the plus strand (C>T on the coding strand, the complement: DICER1 is on the minus strand). VCF-style: chr14-95133352-G-A. GRCh37 (hg19) VCF-style: chr14-95599689-G-A.
Other names: c.107C>T, p.Ala36Val (NM_001195573.1, NM_001271282.3, NM_001291628.2 and 1 more transcripts); short protein forms A36V.
Identifiers: ClinVar variation 649458 (VCV000649458.11), dbSNP rs1595468729, ClinGen allele CA390890455.

ClinVar aggregate classification (germline): Uncertain significance (1 of 4 stars; one submission).

Conditions:
DICER1-related tumor predisposition. Also called: DICER1-related pleuropulmonary blastoma cancer predisposition syndrome; DICER1 syndrome. Identifiers: Orphanet 284343, MedGen C3839822, MONDO:0100216.

Submissions (2):

Labcorp Genetics (formerly Invitae), Labcorp
Classification: Uncertain significance for DICER1-related tumor predisposition. Last evaluated: 2022-05-05. Review status: criteria provided, single submitter. Criteria: Invitae Variant Classification Sherloc (09022015). Collection method: clinical testing. Allele origin: germline.
Comment: In summary, the available evidence is currently insufficient to determine the role of this variant in disease. Therefore, it has been classified as a Variant of Uncertain Significance. Algorithms developed to predict the effect of sequence changes on RNA splicing suggest that this variant may create or strengthen a splice site. Algorithms developed to predict the effect of missense changes on protein structure and function are either unavailable or do not agree on the potential impact of this missense change (SIFT: "Tolerated"; PolyPhen-2: "Probably Damaging"; Align-GVGD: "Class C0"). ClinVar contains an entry for this variant (Variation ID: 649458). This variant has not been reported in the literature in individuals affected with DICER1-related conditions. This variant is not present in population databases (gnomAD no frequency). This sequence change replaces alanine, which is neutral and non-polar, with valine, which is neutral and non-polar, at codon 36 of the DICER1 protein (p.Ala36Val).

Dr. Peter K. Rogan Lab, Western University
No classification provided (evidence only). Condition: Thyroid cancer, nonmedullary, 1. Review status: no classification provided. Collection method: in vitro. Allele origin: not applicable. Functional consequence: retained intron. Not counted in ClinVar's aggregate classification.